The following is an entry in ClinVar:

NM_001349253.2(SCN11A):c.4442G>A (p.Arg1481Gln)

Gene: SCN11A (sodium voltage-gated channel alpha subunit 11; minus strand). Cytogenetic location: 3p22.2.
Variant type: single nucleotide variant.
Coding change: c.4442G>A on transcript NM_001349253.2 (MANE Select); coding-DNA position 4442, G replaced by A.
Protein change: p.Arg1481Gln; replaces arginine 1481 with glutamine.
Molecular consequence: missense variant.
Genome position (GRCh38, 1-based): chr3:38,847,628, C>T on the plus strand (G>A on the coding strand, the complement: SCN11A is on the minus strand). VCF-style: chr3-38847628-C-T. GRCh37 (hg19) VCF-style: chr3-38889119-C-T.
Other names: c.4442G>A, p.Arg1481Gln (NM_014139.3); c.4442G>A (NM_014139.2); short protein forms R1481Q.
Identifiers: ClinVar variation 2924271 (VCV002924271.4), dbSNP rs762560197, ClinGen allele CA2321512.

ClinVar aggregate classification (germline): Uncertain significance. Review status: criteria provided, multiple submitters, no conflicts (2 of 4 stars). 2 submissions from 2 submitters: Uncertain significance (2). Last evaluated 2026-06-25.

Conditions:
SCN11A-related disorder. Also called: SCN11A-related condition.
Hereditary sensory and autonomic neuropathy type 7. Also called: Neuropathy, hereditary sensory and autonomic, type VII; HSAN VII. Identifiers: Orphanet 391397, MedGen C3809882, MONDO:0014244, OMIM 615548.
Familial episodic pain syndrome with predominantly lower limb involvement. Also called: Episodic pain syndrome, familial, 3. Identifiers: Orphanet 391384, Orphanet 391392, MedGen C3809899, MONDO:0014247, OMIM 615552.

Allele frequency attached by ClinVar (database versions not stated): gnomAD 0.00001; TOPMed 0.00001; gnomAD exomes 0.00002; ExAC 0.00003.
gnomAD v4.1: 30 of 1,613,970 alleles (0.0019%); highest among the groups gnomAD compares: African/African-American, 0.0027%; no homozygotes.

Submissions (2):

PreventionGenetics, part of Exact Sciences
Classification: Uncertain significance for SCN11A-related condition. Last evaluated: 2026-06-25. Review status: criteria provided, single submitter. Criteria: ACMG Guidelines, 2015. Collection method: clinical testing. Allele origin: germline.
Comment: The SCN11A c.4442G>A variant is predicted to result in the amino acid substitution p.Arg1481Gln. To our knowledge, this variant has not been reported in the literature. This variant is reported in 0.0065% of alleles in individuals of South Asian descent in gnomAD. At this time, the clinical significance of this variant is uncertain due to the absence of conclusive functional and genetic evidence.

Labcorp Genetics (formerly Invitae), Labcorp
Classification: Uncertain significance for Familial episodic pain syndrome with predominantly lower limb involvement; Hereditary sensory and autonomic neuropathy type 7. Last evaluated: 2025-09-17. Review status: criteria provided, single submitter. Criteria: Invitae Variant Classification Sherloc (09022015). Collection method: clinical testing. Allele origin: germline.
Comment: This sequence change replaces arginine, which is basic and polar, with glutamine, which is neutral and polar, at codon 1481 of the SCN11A protein (p.Arg1481Gln). This variant is present in population databases (rs762560197, gnomAD 0.006%). This variant has not been reported in the literature in individuals affected with SCN11A-related conditions. ClinVar contains an entry for this variant (Variation ID: 2924271). Invitae Evidence Modeling of protein sequence and biophysical properties (such as structural, functional, and spatial information, amino acid conservation, physicochemical variation, residue mobility, and thermodynamic stability) indicates that this missense variant is not expected to disrupt SCN11A protein function with a negative predictive value of 80%. In summary, the available evidence is currently insufficient to determine the role of this variant in disease. Therefore, it has been classified as a Variant of Uncertain Significance.